The following is an entry in ClinVar:

NM_001458.5(FLNC):c.5111T>C (p.Ile1704Thr)

Gene: FLNC (filamin C; plus strand). Cytogenetic location: 7q32.1.
Variant type: single nucleotide variant.
Coding change: c.5111T>C on transcript NM_001458.5 (MANE Select); coding-DNA position 5111, T replaced by C.
Protein change: p.Ile1704Thr; replaces isoleucine 1704 with threonine.
Molecular consequence: missense variant.
Genome position (GRCh38, 1-based): chr7:128,849,490, T>C. VCF-style: chr7-128849490-T-C. GRCh37 (hg19) VCF-style: chr7-128489544-T-C.
Other names: c.5111T>C, p.Ile1704Thr (NM_001127487.2); short protein forms I1704T.
Identifiers: ClinVar variation 955552 (VCV000955552.12), dbSNP rs752850659, ClinGen allele CA4475557.

ClinVar aggregate classification (germline): Conflicting classifications of pathogenicity. Review status: criteria provided, conflicting classifications (1 of 4 stars). 2 submissions from 2 submitters: Uncertain significance (1); Likely benign (1). Last evaluated 2025-12-26.

Conditions:
Hypertrophic cardiomyopathy 26. Also called: Cardiomyopathy, familial hypertrophic, 26. Identifiers: Orphanet 75249, MedGen C4310749, MONDO:0014883, OMIM 617047.
Myofibrillar myopathy 5. Also called: FILAMINOPATHY, AUTOSOMAL DOMINANT; Filaminopathy (type). Identifiers: Orphanet 171445, MedGen C1836050, MONDO:0012289, OMIM 609524.
Distal myopathy with posterior leg and anterior hand involvement. Also called: WILLIAMS DISTAL MYOPATHY. Identifiers: Orphanet 63273, MedGen C3279722, MONDO:0013550, OMIM 614065.
Cardiovascular phenotype. Identifiers: MedGen CN230736.

Allele frequency attached by ClinVar (database versions not stated): gnomAD 0.00001; gnomAD exomes 0.00001 and 0.00004; TOPMed 0.00001; ExAC 0.00007.

Submissions (2):

Labcorp Genetics (formerly Invitae), Labcorp
Classification: Likely benign for Distal myopathy with posterior leg and anterior hand involvement; Myofibrillar myopathy 5; Hypertrophic cardiomyopathy 26. Last evaluated: 2025-12-26. Review status: criteria provided, single submitter. Criteria: Invitae Variant Classification Sherloc (09022015). Collection method: clinical testing. Allele origin: germline.

Ambry Genetics
Classification: Uncertain significance for Cardiovascular phenotype. Last evaluated: 2024-01-11. Review status: criteria provided, single submitter. Criteria: Ambry Variant Classification Scheme 2023. Collection method: clinical testing. Allele origin: germline.
Comment: The p.I1704T variant (also known as c.5111T>C), located in coding exon 30 of the FLNC gene, results from a T to C substitution at nucleotide position 5111. The isoleucine at codon 1704 is replaced by threonine, an amino acid with similar properties. This amino acid position is conserved. In addition, this alteration is predicted to be deleterious by in silico analysis. Since supporting evidence is limited at this time, the clinical significance of this alteration remains unclear.